The following is an entry in ClinVar:

NM_022436.3(ABCG5):c.774+2T>G

Genes: ABCG5 (ATP binding cassette subfamily G member 5; minus strand), DYNC2LI1 (dynein cytoplasmic 2 light intermediate chain 1; plus strand). Cytogenetic location: 2p21.
Variant type: single nucleotide variant.
Coding change: c.774+2T>G on transcript NM_022436.3 (MANE Select); the canonical splice donor site of the intron after coding-DNA position 774, T replaced by G.
Molecular consequence: splice donor variant. On other transcripts: intron variant (2).
Genome position (GRCh38, 1-based): chr2:43,826,380, A>C on the plus strand (T>G on the coding strand, the complement: ABCG5 is on the minus strand). VCF-style: chr2-43826380-A-C. GRCh37 (hg19) VCF-style: chr2-44053519-A-C.
Other names: c.*16-1006A>C (NM_001348913.2, NM_001348912.2).
Identifiers: ClinVar variation 3416332 (VCV003416332.1).
Genomic context (GRCh38, chr2:43,826,380, plus strand): 5'-TGCCCCTGTGATTCCCAGCTCAACACACCATAGACCCGGCCTTTACGAGTTGAACCTCTT[A>C]CCTGAAAAAGCTCAGAACGGGGCTGGTGAATGGTGAGAACCACAATTCGGTTCCTGCGAG-3'

ClinVar aggregate classification (germline): Likely pathogenic (1 of 4 stars; one submission).

Conditions:
Cardiovascular phenotype. Identifiers: MedGen CN230736.

Submission:

Ambry Genetics
Classification: Likely pathogenic for Cardiovascular phenotype. Last evaluated: 2024-10-30. Review status: criteria provided, single submitter. Criteria: Ambry Variant Classification Scheme 2023. Collection method: clinical testing. Allele origin: germline.
Comment: The c.774+2T>G intronic variant results from a T to G substitution two nucleotides after coding exon 6 in the ABCG5 gene. This variant is considered to be rare based on population cohorts in the Genome Aggregation Database (gnomAD). This nucleotide position is highly conserved in available vertebrate species. In silico splice site analysis predicts that this alteration will weaken the native splice donor site. Alterations that disrupt the canonical splice site are expected to cause aberrant splicing, resulting in an abnormal protein or a transcript that is subject to nonsense-mediated mRNA decay. As such, this alteration is classified as likely pathogenic.